The following is an entry in ClinVar:

NM_000321.3(RB1):c.1736G>T (p.Arg579Leu)

Gene: RB1 (RB transcriptional corepressor 1; plus strand). Cytogenetic location: 13q14.2.
Variant type: single nucleotide variant.
Coding change: c.1736G>T on transcript NM_000321.3 (MANE Select); coding-DNA position 1736, G replaced by T.
Protein change: p.Arg579Leu; replaces arginine 579 with leucine.
Molecular consequence: missense variant.
Genome position (GRCh38, 1-based): chr13:48,453,033, G>T. VCF-style: chr13-48453033-G-T. GRCh37 (hg19) VCF-style: chr13-49027169-G-T.
Other names: c.1736G>T, p.Arg579Leu (NM_001407165.1); short protein forms R579L.
Identifiers: ClinVar variation 3387570 (VCV003387570.1).

ClinVar aggregate classification (germline): Uncertain significance (1 of 4 stars; one submission).

Conditions:
Retinoblastoma (RB1). Also called: RETINOBLASTOMA, SOMATIC. Identifiers: Orphanet 790, MedGen C0035335, MeSH D012175, MONDO:0008380, OMIM 180200, HP:0009919. Disease mechanism: loss of function. Inheritance: Both sporadic and heritable forms are tested..

Submission:

All of Us Research Program, National Institutes of Health
Classification: Uncertain significance for Retinoblastoma. Last evaluated: 2024-05-14. Review status: criteria provided, single submitter. Criteria: ACMG Guidelines, 2015. Collection method: clinical testing. Allele origin: germline. Inheritance: Autosomal dominant inheritance. Observed: 1 variant allele, 1 heterozygote.
Comment: This missense variant replaces arginine with leucine at codon 579 of the RB1 protein. Computational prediction suggests that this variant may not impact protein structure and function. To our knowledge, functional studies have not been reported for this variant. This variant has not been reported in individuals affected with RB1-related disorders in the literature. This variant has not been identified in the general population by the Genome Aggregation Database (gnomAD). The available evidence is insufficient to determine the role of this variant in disease conclusively. Therefore, this variant is classified as a Variant of Uncertain Significance.

This study involves interpretation of variants in research participants for the purpose of population health screening. Participant phenotype was not available at the time of variant classification. Additional details can be found in publication PMID: 35346344, PMCID: PMC8962531